The following is an entry in ClinVar:

NM_001034853.2(RPGR):c.122C>G (p.Ser41Ter)

Gene: RPGR (retinitis pigmentosa GTPase regulator; minus strand). Cytogenetic location: Xp11.4.
Variant type: single nucleotide variant.
Coding change: c.122C>G on transcript NM_001034853.2 (MANE Select); coding-DNA position 122, C replaced by G.
Protein change: p.Ser41Ter; replaces serine 41 with a stop codon.
Molecular consequence: nonsense. On other transcripts: non-coding transcript variant (6).
Genome position (GRCh38, 1-based): chrX:38,323,431, G>C on the plus strand (C>G on the coding strand, the complement: RPGR is on the minus strand). VCF-style: chrX-38323431-G-C. GRCh37 (hg19) VCF-style: chrX-38182684-G-C.
Other names: NM_001034853.2:c.122C>G; c.152C>G, p.Ser51Ter (NM_001367248.1); c.122C>G, p.Ser41Ter (NM_001367249.1, NM_001367250.1, NM_001367251.1 and 4 more transcripts); short protein forms S41*, S51*.
Identifiers: ClinVar variation 4072385 (VCV004072385.1).

ClinVar aggregate classification (germline): Likely pathogenic (3 of 4 stars; one submission).

Conditions:
RPGR-related retinopathy. Also called: RPGR retinopathy. Identifiers: MedGen CN305589, MONDO:0100437.

Submission:

ClinGen X-linked Inherited Retinal Disease Variant Curation Expert Panel, ClinGen
Classification: Likely pathogenic for RPGR-related retinopathy. Last evaluated: 2025-08-01. Review status: reviewed by expert panel. Criteria: ClinGen X LinkedIRD ACMG Specifications RPGR V1.0.0. Collection method: curation. Allele origin: germline. Inheritance: X-linked inheritance.
Comment: NM_001034853.2(RPGR):c.122C>G (p.Ser41Ter) is a nonsense variant that substitutes a premature stop codon for amino acid 41 in exon 2 of 15 and is predicted to trigger nonsense-mediated decay (PVS1). This variant is absent from gnomAD v4.1.0 (PM2_Supporting). The variant has been reported to segregate with retinal dystrophy through at least 1 affected meiosis from 1 family, but details are not sufficient to meet the PP1 code (PMID: 16969763). This variant has been reported in at least 2 apparently unrelated probands (PMIDs: 34745198, 16969763). However, the number of individuals meeting one of the PS4 requirements of some functional vision impairment in affected males by age 30 years, and/or decreased or absent ERG responses was fewer than the requirement of at least 2 unrelated probands, so PS4_Supporting was not met. In summary, this variant is classified as likely pathogenic for RPGR-related retinopathy based on the ClinGen X-linked Inherited Retinal Disease Expert Panel Specifications to the ACMG/AMP Variant Interpretation Guidelines for RPGR Version 1.0.0; PVS1 and PM2_Supporting. (date of approval 05/16/2025).